The following is an entry in ClinVar:

ClinVar aggregate classification (germline): Uncertain significance (1 of 4 stars; one submission).

Conditions:
Anauxetic dysplasia. Identifiers: Orphanet 93347, MedGen C1846796, MONDO:0011773.

Allele frequency attached by ClinVar (database versions not stated): ExAC 0.00009.
gnomAD v4.1: 15 of 694,272 alleles (0.0022%); highest among the groups gnomAD compares: South Asian, 0.019%; no homozygotes.

Submission:

Labcorp Genetics (formerly Invitae), Labcorp
Classification: Uncertain significance for Anauxetic dysplasia. Last evaluated: 2022-06-19. Review status: criteria provided, single submitter. Criteria: Invitae Variant Classification Sherloc (09022015). Collection method: clinical testing. Allele origin: germline.
Comment: This variant occurs in the RMRP gene, which encodes an RNA molecule that does not result in a protein product. This variant is present in population databases (rs754810221, gnomAD 0.01%). This variant has not been reported in the literature in individuals affected with RMRP-related conditions. Experimental studies and prediction algorithms are not available or were not evaluated, and the functional significance of this variant is currently unknown. In summary, the available evidence is currently insufficient to determine the role of this variant in disease. Therefore, it has been classified as a Variant of Uncertain Significance.

NC_000009.12:g.35657859A>G

Gene: RMRP (RNA component of mitochondrial RNA processing endoribonuclease; minus strand). Cytogenetic location: 9p13.3.
Variant type: single nucleotide variant.
Genome position: GRCh38 VCF-style: chr9-35657859-A-G. GRCh37 (hg19) VCF-style: chr9-35657856-A-G.
Identifiers: ClinVar variation 2173456 (VCV002173456.1), dbSNP rs754810221, ClinGen allele CA5045830.
Genomic context (GRCh38, chr9:35,657,859, plus strand): 5'-CTGCCTGCGTAACTAGAGGGAGCTGACGGATGACGCCCCCGCGCCACGCCGCTCAGCGGG[A>G]TACGCTTCTTGGCGGACTTTGGAGTGGGAAGCGGGGAATGTCTACGTGCGTATGCACGTG-3'